The following is an entry in ClinVar:

ClinVar aggregate classification (germline): Likely benign (1 of 4 stars; one submission).

gnomAD v4.1: 7,806 of 1,613,512 alleles (0.48%); highest among the groups gnomAD compares: Middle Eastern, 0.74%; 40 homozygotes.

Submission:

CeGaT Center for Human Genetics Tuebingen
Classification: Likely benign. Last evaluated: 2025-02-01. Review status: criteria provided, single submitter. Criteria: CeGaT Center For Human Genetics Tuebingen Variant Classification Criteria Version 2. Collection method: clinical testing. Allele origin: germline. Affected: yes. Observed: 1 variant allele.
Comment: CHD6: BP4, BS2

NM_032221.5(CHD6):c.1314+3A>G

Gene: CHD6 (chromodomain helicase DNA binding protein 6; minus strand). Cytogenetic location: 20q12.
Variant type: single nucleotide variant.
Coding change: c.1314+3A>G on transcript NM_032221.5 (MANE Select); 3 bases into the intron after coding-DNA position 1314, A replaced by G.
Molecular consequence: intron variant.
Genome position (GRCh38, 1-based): chr20:41,493,535, T>C on the plus strand (A>G on the coding strand, the complement: CHD6 is on the minus strand). VCF-style: chr20-41493535-T-C. GRCh37 (hg19) VCF-style: chr20-40122175-T-C.
Identifiers: ClinVar variation 3770465 (VCV003770465.13).